The following is an entry in ClinVar:

NM_004453.4(ETFDH):c.1062del (p.Gly355fs)

Gene: ETFDH (electron transfer flavoprotein dehydrogenase; plus strand). Cytogenetic location: 4q32.1.
Variant type: Deletion.
Coding change: c.1062del on transcript NM_004453.4 (MANE Select); coding-DNA position 1062, one base deleted (A; older notation c.1062delA).
Protein change: p.Gly355fs; shifts the reading frame from glycine 355.
Molecular consequence: frameshift variant.
Genome position (GRCh38, 1-based): chr4:158,699,076, A deleted; the last of 2 consecutive A bases (chr4:158,699,075-158,699,076); deleting either gives the same sequence. VCF-style (leftmost placement, unchanged base first): chr4-158699074-GA-G. GRCh37 (hg19) VCF-style: chr4-159620226-GA-G.
Other names: c.921del, p.Gly308fs (NM_001281737.2); c.879del, p.Gly294fs (NM_001281738.1); short protein forms G355fs, G294fs, G308fs.
Identifiers: ClinVar variation 1417698 (VCV001417698.6), dbSNP rs2150312280, ClinGen allele CA2573138097.
Genomic context (GRCh38, chr4:158,699,074, plus strand): 5'-CTGAGTCCATTTAGAGAGTTCCAAAGGTGGAAACACCATCCTAGCATTCGGCCAACCTTG[GA>G]AGGTGGAAAAAGGATTGCATACGGAGCCAGAGCTCTCAATGAAGGTGGCTTTCAGGTAAC-3'

ClinVar aggregate classification (germline): Pathogenic (1 of 4 stars; one submission).

Conditions:
Multiple acyl-CoA dehydrogenase deficiency (MADD). Also called: Glutaric aciduria, type 2; Glutaric acidemia type II; GA 2; Glutaric Acidemia type 2; ETHYLMALONIC-ADIPICACIDURIA; GA II. Identifiers: Orphanet 26791, MedGen C0268596, MONDO:0009282, OMIM 231680.

Submission:

Labcorp Genetics (formerly Invitae), Labcorp
Classification: Pathogenic for Multiple acyl-CoA dehydrogenase deficiency. Last evaluated: 2021-07-03. Review status: criteria provided, single submitter. Criteria: Invitae Variant Classification Sherloc (09022015). Collection method: clinical testing. Allele origin: germline.
Comment: This sequence change creates a premature translational stop signal (p.Gly355Valfs*30) in the ETFDH gene. It is expected to result in an absent or disrupted protein product. Loss-of-function variants in ETFDH are known to be pathogenic (PMID: 16510302, 23785301). This variant is not present in population databases (ExAC no frequency). This variant has not been reported in the literature in individuals affected with ETFDH-related conditions. For these reasons, this variant has been classified as Pathogenic.

Literature cited by the submitters: PubMed 16510302; PubMed 23785301.